The following is an entry in ClinVar:

NM_000245.4(MET):c.2718G>A (p.Glu906=)

Gene: MET (MET proto-oncogene, receptor tyrosine kinase; plus strand). Cytogenetic location: 7q31.2.
Variant type: single nucleotide variant.
Coding change: c.2718G>A on transcript NM_000245.4 (MANE Select); coding-DNA position 2718, G replaced by A.
Protein change: p.Glu906=; no amino-acid change (glutamic acid 906 retained).
Molecular consequence: synonymous variant.
Genome position (GRCh38, 1-based): chr7:116,769,779, G>A. VCF-style: chr7-116769779-G-A. GRCh37 (hg19) VCF-style: chr7-116409833-G-A.
Other names: c.2772G>A, p.Glu924= (NM_001127500.3); c.2718G>A, p.Glu906= (NM_001324401.3); c.1428G>A, p.Glu476= (NM_001324402.2).
Identifiers: ClinVar variation 524898 (VCV000524898.14), dbSNP rs752013993, ClinGen allele CA4448556.

ClinVar aggregate classification (germline): Benign/Likely benign. Review status: criteria provided, multiple submitters, no conflicts (2 of 4 stars). 3 submissions from 3 submitters: Benign (1); Likely benign (2). Last evaluated 2024-11-12.

Conditions:
Hereditary cancer-predisposing syndrome. Also called: Neoplastic Syndromes, Hereditary; Hereditary neoplastic syndrome; Tumor predisposition; Hereditary Cancer Syndrome. Identifiers: Orphanet 140162, MedGen C0027672, MeSH D009386, MONDO:0015356.
Papillary renal cell carcinoma type 1 (RCCP1). Also called: RENAL CELL CARCINOMA, PAPILLARY, 1, SOMATIC; Renal adenocarcinoma; Renal cell carcinoma 1; Renal cell carcinoma, somatic. Identifiers: Orphanet 47044, MedGen C1336839, OMIM 605074, HP:0011797.
Renal cell carcinoma. Identifiers: Orphanet 217071, MedGen C0007134, MeSH D002292, MONDO:0005086, HP:0005584.

Allele frequency attached by ClinVar (database versions not stated): TOPMed below 0.00001; ExAC 0.00002.
gnomAD v4.1: 5 of 1,613,822 alleles (0.00031%); highest among the groups gnomAD compares: South Asian, 0.0011%; no homozygotes.

Submissions (3):

Myriad Genetics, Inc.
Classification: Benign for Papillary renal cell carcinoma type 1. Last evaluated: 2024-11-12. Review status: criteria provided, single submitter. Criteria: Myriad Autosomal Dominant, Autosomal Recessive and X-Linked Classification Criteria (2023). Collection method: clinical testing. Allele origin: unknown.
Comment: This variant is considered benign. This variant is a silent/synonymous amino acid change and it is not expected to impact splicing.

Labcorp Genetics (formerly Invitae), Labcorp
Classification: Likely benign for Renal cell carcinoma. Last evaluated: 2024-09-18. Review status: criteria provided, single submitter. Criteria: Invitae Variant Classification Sherloc (09022015). Collection method: clinical testing. Allele origin: germline.

Ambry Genetics
Classification: Likely benign for Hereditary cancer-predisposing syndrome. Last evaluated: 2022-07-29. Review status: criteria provided, single submitter. Criteria: Ambry Variant Classification Scheme 2023. Collection method: clinical testing. Allele origin: germline.